The following is an entry in ClinVar:

ClinVar aggregate classification (germline): Uncertain significance (1 of 4 stars; one submission).

Conditions:
Intellectual developmental disorder, X-linked, syndromic, Claes-Jensen type. Also called: Syndromic X-linked intellectual disability Claes-Jensen type; INTELLECTUAL DEVELOPMENTAL DISORDER, X-LINKED, SYNDROMIC 16; MENTAL RETARDATION, X-LINKED, SYNDROMIC 16. Identifiers: Orphanet 85279, MedGen C1845243, MONDO:0010355, OMIM 300534.

gnomAD v4.1: 1 of 1,209,249 alleles (0.000083%); highest among the groups gnomAD compares: Middle Eastern, 0.023%; no homozygotes.

Submission:

Dasa
Classification: Uncertain significance for Intellectual developmental disorder, X-linked, syndromic, Claes-Jensen type. Last evaluated: 2025-06-28. Review status: criteria provided, single submitter. Criteria: DASA Assertion Criteria. Collection method: clinical testing. Allele origin: germline.
Comment: NM_004187.5(KDM5C):c.4106C>T (p.Ser1369Leu) is a missense variant that results in the substitution of serine with leucine. This variant is rare in population databases. Computational prediction algorithms are consistent with a benign effect. The currently available literature and clinical evidence are not sufficient to establish a definitive association between this variant and the reported condition. Therefore, this variant is classified as a variant of uncertain significance.

NM_004187.5(KDM5C):c.4106C>T (p.Ser1369Leu)

Gene: KDM5C (lysine demethylase 5C; minus strand). Cytogenetic location: Xp11.22.
Variant type: single nucleotide variant.
Coding change: c.4106C>T on transcript NM_004187.5 (MANE Select); coding-DNA position 4106, C replaced by T.
Protein change: p.Ser1369Leu; replaces serine 1369 with leucine.
Molecular consequence: missense variant. On other transcripts: non-coding transcript variant (3).
Genome position (GRCh38, 1-based): chrX:53,193,784, G>A on the plus strand (C>T on the coding strand, the complement: KDM5C is on the minus strand). VCF-style: chrX-53193784-G-A. GRCh37 (hg19) VCF-style: chrX-53222966-G-A.
Other names: c.3905C>T, p.Ser1302Leu (NM_001146702.2); c.4103C>T, p.Ser1368Leu (NM_001282622.3, NM_001353979.2, NM_001353982.2); c.4106C>T, p.Ser1369Leu (NM_001353978.3, NM_001353981.2, NM_001353984.2); short protein forms S1302L, S1368L, S1369L.
Identifiers: ClinVar variation 4882338 (VCV004882338.2).